The following is an entry in ClinVar:

NM_006939.4(SOS2):c.975T>G (p.Ile325Met)

Gene: SOS2 (SOS Ras/Rho guanine nucleotide exchange factor 2; minus strand). Cytogenetic location: 14q21.3.
Variant type: single nucleotide variant.
Coding change: c.975T>G on transcript NM_006939.4 (MANE Select); coding-DNA position 975, T replaced by G.
Protein change: p.Ile325Met; replaces isoleucine 325 with methionine.
Molecular consequence: missense variant.
Genome position (GRCh38, 1-based): chr14:50,174,547, A>C on the plus strand (T>G on the coding strand, the complement: SOS2 is on the minus strand). VCF-style: chr14-50174547-A-C. GRCh37 (hg19) VCF-style: chr14-50641265-A-C.
Other names: short protein forms I325M.
Identifiers: ClinVar variation 1469031 (VCV001469031.11), dbSNP rs2139679163, ClinGen allele CA389646872.
Genomic context (GRCh38, chr14:50,174,547, plus strand): 5'-CACTGGCACCAGCATAAGACGTGGAAGGACATAACGAACTGCCTCTTTAAAACCATCAGC[A>C]ATGGACTGCAAAGCAAAAAGATATCACAGTATGTATGTCTCTGACATCAAGGATATGCAA-3'
Protein context (NP_008870.2, residues 315-335): RPAVALHFQS[Ile325Met]ADGFKEAVRY

ClinVar aggregate classification (germline): Uncertain significance. Review status: criteria provided, multiple submitters, no conflicts (2 of 4 stars). 4 submissions from 4 submitters: Uncertain significance (4). Last evaluated 2026-03-21.

Conditions:
Cardiovascular phenotype. Identifiers: MedGen CN230736.
Noonan syndrome 9 (NS9). Identifiers: Orphanet 648, MedGen C4225282, MONDO:0014691, OMIM 616559.

Submissions (4):

Ambry Genetics
Classification: Uncertain significance for Cardiovascular phenotype. Last evaluated: 2026-03-21. Review status: criteria provided, single submitter. Criteria: Ambry Variant Classification Scheme 2023. Collection method: clinical testing. Allele origin: germline.
Comment: The p.I325M variant (also known as c.975T>G), located in coding exon 8 of the SOS2 gene, results from a T to G substitution at nucleotide position 975. The isoleucine at codon 325 is replaced by methionine, an amino acid with highly similar properties. This amino acid position is conserved. In addition, this alteration is predicted to be tolerated by in silico analysis. Based on the available evidence, the clinical significance of this variant remains unclear.

Labcorp Genetics (formerly Invitae), Labcorp
Classification: Uncertain significance for Noonan syndrome 9. Last evaluated: 2023-11-27. Review status: criteria provided, single submitter. Criteria: Invitae Variant Classification Sherloc (09022015). Collection method: clinical testing. Allele origin: germline.
Comment: This sequence change replaces isoleucine, which is neutral and non-polar, with methionine, which is neutral and non-polar, at codon 325 of the SOS2 protein (p.Ile325Met). This variant is not present in population databases (gnomAD no frequency). This variant has not been reported in the literature in individuals affected with SOS2-related conditions. ClinVar contains an entry for this variant (Variation ID: 1469031). Advanced modeling of protein sequence and biophysical properties (such as structural, functional, and spatial information, amino acid conservation, physicochemical variation, residue mobility, and thermodynamic stability) performed at Invitae indicates that this missense variant is not expected to disrupt SOS2 protein function with a negative predictive value of 95%. In summary, the available evidence is currently insufficient to determine the role of this variant in disease. Therefore, it has been classified as a Variant of Uncertain Significance.

GeneDx
Classification: Uncertain significance. Last evaluated: 2022-03-31. Review status: criteria provided, single submitter. Criteria: GeneDx Variant Classification Process June 2021. Collection method: clinical testing. Allele origin: germline. Affected: yes.
Comment: Not observed at significant frequency in large population cohorts (gnomAD); In silico analysis supports that this missense variant does not alter protein structure/function; Has not been previously published as pathogenic or benign to our knowledge

Genome-Nilou Lab
Classification: Uncertain significance for Noonan syndrome 9. Review status: criteria provided, single submitter. Criteria: ACMG Guidelines, 2015. Collection method: clinical testing. Allele origin: germline.